The following is an entry in ClinVar:

NM_020134.4(DPYSL5):c.312C>A (p.Asp104Glu)

Gene: DPYSL5 (dihydropyrimidinase like 5; plus strand). Cytogenetic location: 2p23.3.
Variant type: single nucleotide variant.
Coding change: c.312C>A on transcript NM_020134.4 (MANE Select); coding-DNA position 312, C replaced by A.
Protein change: p.Asp104Glu; replaces aspartic acid 104 with glutamic acid.
Molecular consequence: missense variant.
Genome position (GRCh38, 1-based): chr2:26,924,937, C>A. VCF-style: chr2-26924937-C-A. GRCh37 (hg19) VCF-style: chr2-27147805-C-A.
Other names: c.312C>A, p.Asp104Glu (NM_001253723.2, NM_001253724.2); c.312C>A (NM_020134.3); short protein forms D104E.
Identifiers: ClinVar variation 2503809 (VCV002503809.1), dbSNP rs1664791781, ClinGen allele CA346149765.
Genomic context (GRCh38, chr2:26,924,937, plus strand): 5'-GTCTTCCCAGGCAGCACTCGTCGGAGGCACCACCATGATCATCGGCCACGTCCTGCCCGA[C>A]AAGGAGACCTCCCTTGTGGACGCTTATGAGAAGTGCCGAGGTCTGGCCGACCCCAAGGTC-3'
Protein context (NP_064519.2, residues 94-114): TTMIIGHVLP[Asp104Glu]KETSLVDAYE

ClinVar aggregate classification (germline): Uncertain significance (1 of 4 stars; one submission).

Allele frequency attached by ClinVar (database versions not stated): gnomAD exomes below 0.00001; TOPMed below 0.00001.
gnomAD v4.1: 1 of 1,614,182 alleles (0.000062%); highest among the groups gnomAD compares: African/African-American, 0.0013%; no homozygotes.

Submission:

Women's Health and Genetics/Laboratory Corporation of America, LabCorp
Classification: Uncertain significance. Last evaluated: 2023-04-18. Review status: criteria provided, single submitter. Criteria: LabCorp Variant Classification Summary - May 2015. Collection method: clinical testing. Allele origin: germline.
Comment: Variant summary: DPYSL5 c.312C>A (p.Asp104Glu) results in a conservative amino acid change located in the Amidohydrolase-related domain (IPR006680) of the encoded protein sequence. Five of five in-silico tools predict a benign effect of the variant on protein function. The variant was absent in 251190 control chromosomes (gnomAD). The available data on variant occurrences in the general population are insufficient to allow any conclusion about variant significance. To our knowledge, no occurrence of c.312C>A in individuals affected with Ritscher-Schinzel Syndrome 4 and no experimental evidence demonstrating its impact on protein function have been reported. No clinical diagnostic laboratories have submitted clinical-significance assessments for this variant to ClinVar after 2014. Based on the evidence outlined above, the variant was classified as uncertain significance.